The following is an entry in ClinVar:

NM_145868.2(ANXA11):c.1369A>G (p.Ile457Val)

Gene: ANXA11 (annexin A11; minus strand). Cytogenetic location: 10q22.3.
Variant type: single nucleotide variant.
Coding change: c.1369A>G on transcript NM_145868.2 (MANE Select); coding-DNA position 1369, A replaced by G.
Protein change: p.Ile457Val; replaces isoleucine 457 with valine.
Molecular consequence: missense variant.
Genome position (GRCh38, 1-based): chr10:80,157,730, T>C on the plus strand (A>G on the coding strand, the complement: ANXA11 is on the minus strand). VCF-style: chr10-80157730-T-C. GRCh37 (hg19) VCF-style: chr10-81917486-T-C.
Other names: p.Ile457Val; c.1369A>G, p.Ile457Val (NM_001157.3, NM_001278407.2, NM_001278408.2 and 1 more transcripts); c.1270A>G, p.Ile424Val (NM_001278409.2); short protein forms I457V, I424V.
Identifiers: ClinVar variation 718544 (VCV000718544.34), dbSNP rs1802932, ClinGen allele CA5575780.

ClinVar aggregate classification (germline): Benign. Review status: criteria provided, multiple submitters, no conflicts (2 of 4 stars). 3 submissions from 3 submitters: Benign (3). Last evaluated 2026-07-01.

Allele frequency attached by ClinVar (database versions not stated): 1000 Genomes Project 30x 0.00312; 1000 Genomes Project 0.00339; TOPMed 0.00704; ExAC 0.00897; ESP Exome Variant Server 0.00907; gnomAD exomes 0.00955 and 0.01198; gnomAD 0.00973 and 0.00992.
gnomAD v4.1: 18,929 of 1,613,916 alleles (1.2%); highest among the groups gnomAD compares: Non-Finnish European, 1.3%; 149 homozygotes.

Submissions (3):

CeGaT Center for Human Genetics Tuebingen
Classification: Benign. Last evaluated: 2026-07-01. Review status: criteria provided, single submitter. Criteria: CeGaT Center For Human Genetics Tuebingen Variant Classification Criteria Version 2. Collection method: clinical testing. Allele origin: germline. Affected: yes. Observed: 8 variant alleles.
Comment: ANXA11: BS1, BS2

Labcorp Genetics (formerly Invitae), Labcorp
Classification: Benign. Last evaluated: 2026-01-27. Review status: criteria provided, single submitter. Criteria: Invitae Variant Classification Sherloc (09022015). Collection method: clinical testing. Allele origin: germline.

Mayo Clinic Laboratories, Mayo Clinic
Classification: Benign. Last evaluated: 2023-01-24. Review status: criteria provided, single submitter. Criteria: ACMG Guidelines, 2015. Collection method: clinical testing. Allele origin: germline. Observed: 12 variant alleles.
Comment: BS1, BS2, BP4